The following is an entry in ClinVar:

NM_003482.4(KMT2D):c.4395C>T (p.Pro1465=)

Gene: KMT2D (lysine methyltransferase 2D; minus strand). Cytogenetic location: 12q13.12.
Variant type: single nucleotide variant.
Coding change: c.4395C>T on transcript NM_003482.4 (MANE Select); coding-DNA position 4395, C replaced by T.
Protein change: p.Pro1465=; no amino-acid change (proline 1465 retained).
Molecular consequence: synonymous variant.
Genome position (GRCh38, 1-based): chr12:49,046,632, G>A on the plus strand (C>T on the coding strand, the complement: KMT2D is on the minus strand). VCF-style: chr12-49046632-G-A. GRCh37 (hg19) VCF-style: chr12-49440415-G-A.
Identifiers: ClinVar variation 698105 (VCV000698105.31), dbSNP rs574333340, ClinGen allele CA6547843.
Genomic context (GRCh38, chr12:49,046,632, plus strand): 5'-GGCCCCAGGGCTCCACTGAAGATCCCAGTCTCCTTACCACTTGCACTTCCAGCCGCCCTT[G>A]GGGACGGTGAGCAGTGGGGGGTCCAGGCAGTATGTGTGGTAGCTAATATCACAGTCATCA-3'
Protein context (NP_003473.3, residues 1455-1475): YCLDPPLLTV[Pro1465=]KGGWKCKWCV

ClinVar aggregate classification (germline): Benign/Likely benign. Review status: criteria provided, multiple submitters, no conflicts (2 of 4 stars). 5 submissions from 5 submitters: Benign (2); Likely benign (2). 1 of the submissions does not count toward it. Last evaluated 2025-10-13.

Conditions:
Kabuki syndrome. Also called: Kabuki make-up syndrome; NIIKAWA-KUROKI SYNDROME. Identifiers: Orphanet 2322, MedGen C0796004, MONDO:0016512.
KMT2D-related disorder. Also called: KMT2D-Related Disorders.

Allele frequency attached by ClinVar (database versions not stated): gnomAD 0.00009 and 0.00029; TOPMed 0.00010; gnomAD exomes 0.00069; ExAC 0.00086; 1000 Genomes Project 30x 0.00250; 1000 Genomes Project 0.00280.
gnomAD v4.1: 590 of 1,613,062 alleles (0.037%); highest among the groups gnomAD compares: South Asian, 0.48%; 8 homozygotes.

Submissions (5):

Labcorp Genetics (formerly Invitae), Labcorp
Classification: Benign for Kabuki syndrome. Last evaluated: 2025-10-13. Review status: criteria provided, single submitter. Criteria: Invitae Variant Classification Sherloc (09022015). Collection method: clinical testing. Allele origin: germline.

Blueprint Genetics
Classification: Likely benign. Last evaluated: 2024-10-08. Review status: criteria provided, single submitter. Criteria: ACMG Guidelines, 2015. Collection method: clinical testing. Allele origin: germline.

CeGaT Center for Human Genetics Tuebingen
Classification: Likely benign. Last evaluated: 2024-08-01. Review status: criteria provided, single submitter. Criteria: CeGaT Center For Human Genetics Tuebingen Variant Classification Criteria Version 2. Collection method: clinical testing. Allele origin: germline. Affected: yes. Observed: 1 variant allele.
Comment: KMT2D: BP4, BS1

GeneDx
Classification: Benign. Last evaluated: 2019-09-25. Review status: criteria provided, single submitter. Criteria: GeneDx Variant Classification Process June 2021. Collection method: clinical testing. Allele origin: germline. Affected: yes.

PreventionGenetics, part of Exact Sciences
Classification: Benign for KMT2D-related condition. Last evaluated: 2024-09-19. Review status: no assertion criteria provided. Collection method: clinical testing. Allele origin: germline. Not counted in ClinVar's aggregate classification.
Comment: This variant is classified as benign based on ACMG/AMP sequence variant interpretation guidelines (Richards et al. 2015 PMID: 25741868, with internal and published modifications).